The following is an entry in ClinVar:

ClinVar aggregate classification (germline): Uncertain significance (1 of 4 stars; one submission).

Conditions:
Epileptic encephalopathy. Identifiers: MedGen C0543888, HP:0200134.

Submission:

Labcorp Genetics (formerly Invitae), Labcorp
Classification: Uncertain significance for Epileptic encephalopathy. Last evaluated: 2022-09-27. Review status: criteria provided, single submitter. Criteria: Invitae Variant Classification Sherloc (09022015). Collection method: clinical testing. Allele origin: germline.
Comment: In summary, the available evidence is currently insufficient to determine the role of this variant in disease. Therefore, it has been classified as a Variant of Uncertain Significance. Variants that disrupt the consensus splice site are a relatively common cause of aberrant splicing (PMID: 17576681, 9536098). Algorithms developed to predict the effect of sequence changes on RNA splicing suggest that this variant may disrupt the consensus splice site. ClinVar contains an entry for this variant (Variation ID: 531036). This variant has not been reported in the literature in individuals affected with RYR3-related conditions. This variant is present in population databases (rs780109992, gnomAD 0.009%). This sequence change falls in intron 95 of the RYR3 gene. It does not directly change the encoded amino acid sequence of the RYR3 protein. It affects a nucleotide within the consensus splice site.

Literature cited by the submitters: PubMed 17576681; PubMed 9536098.

NM_001036.6(RYR3):c.13670_13671+3dup

Genes: AVEN (apoptosis and caspase activation inhibitor; minus strand), RYR3 (ryanodine receptor 3; plus strand), LOC126862094 (CDK7 strongly-dependent group 2 enhancer GRCh37_chr15:34145183-34146382; plus strand). Cytogenetic location: 15q14.
Variant type: Duplication.
Coding change: c.13670_13671+3dup on transcript NM_001036.6 (MANE Select); coding-DNA position 13670 through 3 bases into the intron after coding-DNA position 13671, 5 bases duplicated (AGGTA; older notation c.13670_13671+3dupAGGTA).
Molecular consequence: splice donor variant.
Genome position (GRCh38, 1-based): chr15:33,853,086-33,853,090, AGGTA duplicated; duplicating any 5 consecutive bases within chr15:33,853,085-33,853,090 gives the same sequence; the c. name uses the placement nearest the transcript's 3' end. VCF-style (leftmost placement, unchanged base first): chr15-33853084-A-AAAGGT. GRCh37 (hg19) VCF-style: chr15-34145285-A-AAAGGT.
Other names: c.13670_13671+3dupAGGTA (NM_001036.4); c.13655_13656+3dup (NM_001243996.4).
Identifiers: ClinVar variation 531036 (VCV000531036.9), dbSNP rs780109992, ClinGen allele CA7461717.